The following is an entry in ClinVar:

ClinVar aggregate classification (germline): Uncertain significance (1 of 4 stars; one submission).

Allele frequency attached by ClinVar (database versions not stated): TOPMed below 0.00001.
gnomAD v4.1: 2 of 1,610,196 alleles (0.00012%); highest among the groups gnomAD compares: Admixed American, 0.0034%; no homozygotes.

Submission:

Labcorp Genetics (formerly Invitae), Labcorp
Classification: Uncertain significance. Last evaluated: 2023-07-02. Review status: criteria provided, single submitter. Criteria: Invitae Variant Classification Sherloc (09022015). Collection method: clinical testing. Allele origin: germline.
Comment: In summary, the available evidence is currently insufficient to determine the role of this variant in disease. Therefore, it has been classified as a Variant of Uncertain Significance. An algorithm developed to predict the effect of missense changes on protein structure and function (PolyPhen-2) suggests that this variant¬†is likely to be tolerated. ClinVar contains an entry for this variant (Variation ID: 1984490). This variant has not been reported in the literature in individuals affected with NAA15-related conditions. The frequency data for this variant in the population databases is considered unreliable, as metrics indicate poor data quality at this position in the gnomAD database. This sequence change replaces arginine, which is basic and polar, with glycine, which is neutral and non-polar, at codon 782 of the NAA15 protein (p.Arg782Gly).

NM_057175.5(NAA15):c.2344C>G (p.Arg782Gly)

Gene: NAA15 (N-alpha-acetyltransferase 15, NatA auxiliary subunit; plus strand). Cytogenetic location: 4q31.1.
Variant type: single nucleotide variant.
Coding change: c.2344C>G on transcript NM_057175.5 (MANE Select); coding-DNA position 2344, C replaced by G.
Protein change: p.Arg782Gly; replaces arginine 782 with glycine.
Molecular consequence: missense variant.
Genome position (GRCh38, 1-based): chr4:139,386,174, C>G. VCF-style: chr4-139386174-C-G. GRCh37 (hg19) VCF-style: chr4-140307328-C-G.
Other names: c.2341C>G, p.Arg781Gly (NM_001410842.1); c.*753C>G (NM_025085.2); short protein forms R782G, R781G.
Identifiers: ClinVar variation 1984490 (VCV001984490.3), dbSNP rs1270628305, ClinGen allele CA358270891.